The following is an entry in ClinVar:

ClinVar aggregate classification (germline): Likely benign (1 of 4 stars; one submission).

gnomAD v4.1: 10 of 1,609,458 alleles (0.00062%); highest among the groups gnomAD compares: East Asian, 0.0089%; no homozygotes.

Submission:

CeGaT Center for Human Genetics Tuebingen
Classification: Likely benign. Last evaluated: 2024-08-01. Review status: criteria provided, single submitter. Criteria: CeGaT Center For Human Genetics Tuebingen Variant Classification Criteria Version 2. Collection method: clinical testing. Allele origin: germline. Affected: yes. Observed: 1 variant allele.
Comment: ACP5: BP4, BP7

NM_001611.5(ACP5):c.702T>C (p.Thr234=)

Gene: ACP5 (acid phosphatase 5, tartrate resistant; minus strand). Cytogenetic location: 19p13.2.
Variant type: single nucleotide variant.
Coding change: c.702T>C on transcript NM_001611.5 (MANE Select); coding-DNA position 702, T replaced by C.
Protein change: p.Thr234=; no amino-acid change (threonine 234 retained).
Molecular consequence: synonymous variant.
Genome position (GRCh38, 1-based): chr19:11,576,276, A>G on the plus strand (T>C on the coding strand, the complement: ACP5 is on the minus strand). VCF-style: chr19-11576276-A-G. GRCh37 (hg19) VCF-style: chr19-11687091-A-G.
Other names: c.702T>C, p.Thr234= (NM_001111034.3, NM_001111035.3, NM_001111036.3 and 1 more transcripts).
Identifiers: ClinVar variation 3341913 (VCV003341913.16).